The following is an entry in ClinVar:

ClinVar aggregate classification (germline): Likely pathogenic (0 of 4 stars; one submission).

Conditions:
SHOX-related disorder. Also called: SHOX-related condition.

Submission:

PreventionGenetics, part of Exact Sciences
Classification: Likely pathogenic for SHOX-related condition. Last evaluated: 2024-02-16. Review status: no assertion criteria provided. Collection method: clinical testing. Allele origin: germline.
Comment: The SHOX c.461T>C variant is predicted to result in the amino acid substitution p.Leu154Pro. This variant has been reported in multiple individuals with Leri-Weill dyschondrosteosis or short stature (Table 1, Ross et al. 2001. PubMed ID: 11739418; Table 1, Marstrand-Joergensen et al. 2016. PubMed ID: 27814343; Table S1, Joustra et al. 2020. PubMed ID: 32344414). This variant has not been reported in a large population database, indicating this variant is rare. An alternate nucleotide substitution affecting the same amino acid (p.Leu154Arg) has been reported in an individual with Leri-Weill dyschondrosteosis (Table 1, Bunyan et al. 2013. PubMed ID: 23636926). At PreventionGenetics, we have also observed this variant in two related individuals presenting with Leri-Weill dyschondrosteosis features. Taken together, we interpret this variant as likely pathogenic.

NM_000451.4(SHOX):c.461T>C (p.Leu154Pro)

Genes: SHOX (SHOX homeobox; plus strand), LOC107652445 (meiotic recombination hotspot SHOX; plus strand). Cytogenetic location: Yp11.2.
Variant type: single nucleotide variant.
Coding change: c.461T>C on transcript NM_000451.4 (MANE Select); coding-DNA position 461, T replaced by C.
Protein change: p.Leu154Pro; replaces leucine 154 with proline.
Molecular consequence: missense variant.
Genome position (GRCh38, 1-based): chrX:634,801, T>C. VCF-style: chrX-634801-T-C. GRCh37 (hg19) VCF-style: chrX-595536-T-C.
Other names: c.461T>C, p.Leu154Pro (NM_006883.2); short protein forms L154P.
Identifiers: ClinVar variation 3061102 (VCV003061102.2), dbSNP rs2522102405, ClinGen allele CA412231544.